The following is an entry in ClinVar:

ClinVar aggregate classification (germline): Likely pathogenic (1 of 4 stars; one submission).

Conditions:
Biotinidase deficiency. Also called: BTD deficiency; Late-onset biotin-responsive multiple carboxylase deficiency; Biotin deficiency. Identifiers: Orphanet 79241, MedGen C0220754, MONDO:0009665, OMIM 253260.

Submission:

Natera, Inc.
Classification: Likely pathogenic for Biotinidase deficiency. Last evaluated: 2025-12-11. Review status: criteria provided, single submitter. Criteria: Natera Variant Classification Schema (03/2026). Collection method: clinical testing. Allele origin: germline.
Comment: The c.584A>G variant in BTD is a missense variant predicted to cause substitution of asparagine to serine at amino acid 195. This variant is rare in the general population with a frequency below the threshold expected for the associated phenotype(s). This variant has been observed in one or more individuals affected with the associated recessive disease, as either homozygous or compound heterozygous with a second variant (PMID: 17185019). A different variant at the same position has been determined to be Pathogenic or Likely Pathogenic. Computational prediction algorithms indicate this variant is likely to affect gene or protein function. Given the available evidence, this variant is classified as Likely Pathogenic.

Literature cited by the submitters: PubMed 17185019.

NM_000060.4:c.584A>G

Variant type: single nucleotide variant.
Other names: c.584A>G (NM_000060.4).
Identifiers: ClinVar variation 4816023 (VCV004816023.1).